The following is an entry in ClinVar:

ClinVar aggregate classification (germline): Uncertain significance (1 of 4 stars; one submission).

Conditions:
Developmental and epileptic encephalopathy 94 (DEE94). Also called: CHD2-Related Neurodevelopmental Disorders; Epileptic encephalopathy, childhood-onset. Identifiers: Orphanet 1942, Orphanet 2382, MedGen C3809278, MONDO:0014150, OMIM 615369.

Submission:

Labcorp Genetics (formerly Invitae), Labcorp
Classification: Uncertain significance for Developmental and epileptic encephalopathy 94. Last evaluated: 2023-05-13. Review status: criteria provided, single submitter. Criteria: Invitae Variant Classification Sherloc (09022015). Collection method: clinical testing. Allele origin: germline.
Comment: Advanced modeling of protein sequence and biophysical properties (such as structural, functional, and spatial information, amino acid conservation, physicochemical variation, residue mobility, and thermodynamic stability) performed at Invitae indicates that this missense variant is not expected to disrupt CHD2 protein function. This sequence change replaces lysine, which is basic and polar, with arginine, which is basic and polar, at codon 1092 of the CHD2 protein (p.Lys1092Arg). This variant is not present in population databases (gnomAD no frequency). This variant has not been reported in the literature in individuals affected with CHD2-related conditions. In summary, the available evidence is currently insufficient to determine the role of this variant in disease. Therefore, it has been classified as a Variant of Uncertain Significance.

NM_001271.4(CHD2):c.3275A>G (p.Lys1092Arg)

Gene: CHD2 (chromodomain helicase DNA binding protein 2; plus strand). Cytogenetic location: 15q26.1.
Variant type: single nucleotide variant.
Coding change: c.3275A>G on transcript NM_001271.4 (MANE Select); coding-DNA position 3275, A replaced by G.
Protein change: p.Lys1092Arg; replaces lysine 1092 with arginine.
Molecular consequence: missense variant.
Genome position (GRCh38, 1-based): chr15:92,985,535, A>G. VCF-style: chr15-92985535-A-G. GRCh37 (hg19) VCF-style: chr15-93528765-A-G.
Other names: short protein forms K1092R.
Identifiers: ClinVar variation 2863832 (VCV002863832.3), dbSNP rs2505562296, ClinGen allele CA393895557.